The following is an entry in ClinVar:

ClinVar aggregate classification (germline): Likely benign (1 of 4 stars; one submission).

gnomAD v4.1: 18 of 398,568 alleles (0.0045%); highest among the groups gnomAD compares: South Asian, 0.14%; no homozygotes.

Submission:

CeGaT Center for Human Genetics Tuebingen
Classification: Likely benign. Last evaluated: 2024-12-01. Review status: criteria provided, single submitter. Criteria: CeGaT Center For Human Genetics Tuebingen Variant Classification Criteria Version 2. Collection method: clinical testing. Allele origin: germline. Affected: yes. Observed: 1 variant allele.
Comment: KCNQ1OT1: BS1

NM_000218.3(KCNQ1):c.1394-8262C>T

Genes: KCNQ1 (potassium voltage-gated channel subfamily Q member 1; plus strand), KCNQ1OT1 (KCNQ1 opposite strand/antisense transcript 1; minus strand). Cytogenetic location: 11p15.5.
Variant type: single nucleotide variant.
Coding change: c.1394-8262C>T on transcript NM_000218.3 (MANE Select); 8262 bases into the intron before coding-DNA position 1394, C replaced by T.
Molecular consequence: intron variant. On other transcripts: non-coding transcript variant (1).
Genome position (GRCh38, 1-based): chr11:2,653,699, C>T. VCF-style: chr11-2653699-C-T. GRCh37 (hg19) VCF-style: chr11-2674929-C-T.
Other names: c.1124-8262C>T (NM_001406837.1); c.1298-8262C>T (NM_001406836.1); c.854-8262C>T (NM_001406838.1); c.1013-8262C>T (NM_181798.2).
Identifiers: ClinVar variation 3771777 (VCV003771777.13).